The following is an entry in ClinVar:

ClinVar aggregate classification (germline): Uncertain significance (1 of 4 stars; one submission).

Submission:

GeneDx
Classification: Uncertain significance. Last evaluated: 2026-01-20. Review status: criteria provided, single submitter. Criteria: GeneDx Variant Classification Process June 2021. Collection method: clinical testing. Allele origin: germline.
Comment: In-frame deletion of 1 amino acid(s) in a non-repeat region; Not observed at significant frequency in large population cohorts (gnomAD); In silico analysis suggests that this variant does not alter protein structure/function; Has not been previously published as pathogenic or benign to our knowledge

NM_001287491.2(TET3):c.1637CCT[1] (p.Ser547del)

Gene: TET3 (tet methylcytosine dioxygenase 3; plus strand). Cytogenetic location: 2p13.1.
Variant type: Microsatellite.
Coding change: c.1637CCT[1] on transcript NM_001287491.2 (MANE Select); one copy of the 3-base unit CCT starting at c.1637; the reference has two copies in a row; one copy, 3 bases deleted.
Protein change: p.Ser547del; deletes serine 547.
Genome position (GRCh38, 1-based): chr2:74,047,557-74,047,559, CCT deleted; deleting any 3 consecutive bases within chr2:74,047,554-74,047,559 gives the same sequence; the position shown is the placement nearest the transcript's 3' end. VCF-style (leftmost placement, unchanged base first): chr2-74047553-ACCT-A. GRCh37 (hg19) VCF-style: chr2-74274680-ACCT-A.
Other names: c.1358CCT[1], p.Ser454del (NM_001366022.1); short protein forms S454del, S547del.
Identifiers: ClinVar variation 4540327 (VCV004540327.2).
Genomic context (GRCh38, chr2:74,047,553, plus strand): 5'-ACCGCCCTGCAGCAGCACCTCCACCACAAGCGCAGCCTCTTCCTAGAACAGGTGCACGAC[ACCT>A]CCTTCCCTGCTCCTTCAGAGCCTTCTGCTCCTGGCTGGTGGCCCCCACCAAGTTCACCTG-3'